The following is an entry in ClinVar:

NM_005732.4(RAD50):c.3757A>C (p.Ile1253Leu)

Genes: TH2-LCR (Th2 cytokine locus control region; plus strand), RAD50 (RAD50 double strand break repair protein; plus strand), TH2LCRR (T helper type 2 locus control region associated RNA; minus strand). Cytogenetic location: 5q31.1.
Variant type: single nucleotide variant.
Coding change: c.3757A>C on transcript NM_005732.4 (MANE Select); coding-DNA position 3757, A replaced by C.
Protein change: p.Ile1253Leu; replaces isoleucine 1253 with leucine.
Molecular consequence: missense variant.
Genome position (GRCh38, 1-based): chr5:132,642,182, A>C. VCF-style: chr5-132642182-A-C. GRCh37 (hg19) VCF-style: chr5-131977874-A-C.
Other names: short protein forms I1253L.
Identifiers: ClinVar variation 3429487 (VCV003429487.1).

ClinVar aggregate classification (germline): Uncertain significance (1 of 4 stars; one submission).

Conditions:
Hereditary cancer-predisposing syndrome. Also called: Neoplastic Syndromes, Hereditary; Tumor predisposition; Hereditary Cancer Syndrome; Hereditary neoplastic syndrome. Identifiers: Orphanet 140162, MedGen C0027672, MeSH D009386, MONDO:0015356.

Submission:

Ambry Genetics
Classification: Uncertain significance for Hereditary cancer-predisposing syndrome. Last evaluated: 2024-09-09. Review status: criteria provided, single submitter. Criteria: Ambry Variant Classification Scheme 2023. Collection method: clinical testing. Allele origin: germline.
Comment: The p.I1253L variant (also known as c.3757A>C), located in coding exon 25 of the RAD50 gene, results from an A to C substitution at nucleotide position 3757. The isoleucine at codon 1253 is replaced by leucine, an amino acid with highly similar properties. This amino acid position is highly conserved in available vertebrate species. In addition, the in silico prediction for this alteration is inconclusive. Based on the available evidence, the clinical significance of this variant remains unclear.